The following is an entry in ClinVar:

NM_016277.5(RAB23):c.346A>G (p.Thr116Ala)

Gene: RAB23 (RAB23, member RAS oncogene family; minus strand). Cytogenetic location: 6p12.1.
Variant type: single nucleotide variant.
Coding change: c.346A>G on transcript NM_016277.5 (MANE Select); coding-DNA position 346, A replaced by G.
Protein change: p.Thr116Ala; replaces threonine 116 with alanine.
Molecular consequence: missense variant.
Genome position (GRCh38, 1-based): chr6:57,196,502, T>C on the plus strand (A>G on the coding strand, the complement: RAB23 is on the minus strand). VCF-style: chr6-57196502-T-C. GRCh37 (hg19) VCF-style: chr6-57061300-T-C.
Other names: c.346A>G, p.Thr116Ala (NM_183227.3, NM_001278666.2, NM_001278667.2 and 1 more transcripts); c.346A>G (NM_183227.1); short protein forms T116A.
Identifiers: ClinVar variation 1050024 (VCV001050024.9), dbSNP rs138803099, ClinGen allele CA3873845.

ClinVar aggregate classification (germline): Uncertain significance. Review status: criteria provided, multiple submitters, no conflicts (2 of 4 stars). 5 submissions from 5 submitters: Uncertain significance (4). 1 of the submissions does not count toward it. Last evaluated 2026-07-20.

Conditions:
RAB23-related disorder. Also called: RAB23-related condition.
Inborn genetic diseases. Identifiers: MedGen C0950123, MeSH D030342.
RAB23-related Carpenter syndrome. Also called: ACPS II; Carpenter syndrome 1. Identifiers: Orphanet 65759, MedGen C4551510, MONDO:0008710, OMIM 201000.
Carpenter syndrome. Identifiers: Orphanet 65759, MedGen C1275078, MONDO:0019012.

Allele frequency attached by ClinVar (database versions not stated): gnomAD exomes 0.00016 and 0.00015; ExAC 0.00024; ESP Exome Variant Server 0.00008.

Submissions (5):

PreventionGenetics, part of Exact Sciences
Classification: Uncertain significance for RAB23-related condition. Last evaluated: 2026-07-20. Review status: criteria provided, single submitter. Criteria: ACMG Guidelines, 2015. Collection method: clinical testing. Allele origin: germline.
Comment: The RAB23 c.346A>G variant is predicted to result in the amino acid substitution p.Thr116Ala. To our knowledge, this variant has not been reported in the literature. This variant is reported in 0.023% of alleles in individuals of European (Non-Finnish) descent in gnomAD. At this time, the clinical significance of this variant is uncertain due to the absence of conclusive functional and genetic evidence.

Ambry Genetics
Classification: Uncertain significance for Inborn genetic diseases. Last evaluated: 2025-08-08. Review status: criteria provided, single submitter. Criteria: Ambry Variant Classification Scheme 2023. Collection method: clinical testing. Allele origin: germline.

Labcorp Genetics (formerly Invitae), Labcorp
Classification: Uncertain significance for Carpenter syndrome. Last evaluated: 2022-03-18. Review status: criteria provided, single submitter. Criteria: Invitae Variant Classification Sherloc (09022015). Collection method: clinical testing. Allele origin: germline.
Comment: This sequence change replaces threonine, which is neutral and polar, with alanine, which is neutral and non-polar, at codon 116 of the RAB23 protein (p.Thr116Ala). This variant is present in population databases (rs138803099, gnomAD 0.03%). This variant has not been reported in the literature in individuals affected with RAB23-related conditions. ClinVar contains an entry for this variant (Variation ID: 1050024). Algorithms developed to predict the effect of missense changes on protein structure and function (SIFT, PolyPhen-2, Align-GVGD) all suggest that this variant is likely to be tolerated. In summary, the available evidence is currently insufficient to determine the role of this variant in disease. Therefore, it has been classified as a Variant of Uncertain Significance.

Fulgent Genetics
Classification: Uncertain significance for RAB23-related Carpenter syndrome. Last evaluated: 2021-11-02. Review status: criteria provided, single submitter. Criteria: ACMG Guidelines, 2015. Collection method: clinical testing. Allele origin: unknown.

Department of Pathology and Laboratory Medicine, Sinai Health System
Classification: Uncertain significance. Review status: no assertion criteria provided. Collection method: clinical testing. Allele origin: unknown. Affected: yes. Study: The Canadian Open Genetics Repository (COGR). Not counted in ClinVar's aggregate classification.
Comment: The RAB23 p.Thr116Ala variant was not identified in the literature nor was it identified in ClinVar, Cosmic or LOVD 3.0 databases. The variant was identified in dbSNP (ID: rs138803099) and was also found in control databases in 46 of 282702 chromosomes at a frequency of 0.000163 (Genome Aggregation Database Feb 27, 2017) and was observed in the following populations: Other in 3 of 7212 chromosomes (freq: 0.000416), European (non-Finnish) in 30 of 129036 chromosomes (freq: 0.000233), East Asian in 4 of 19954 chromosomes (freq: 0.000201), South Asian in 6 of 30612 chromosomes (freq: 0.000196), Ashkenazi Jewish in 1 of 10366 chromosomes (freq: 0.000096) and Latino in 2 of 35438 chromosomes (freq: 0.000056), while the variant was not observed in the African and European (Finnish) populations. The variant occurs outside of the splicing consensus sequence and in silico or computational prediction software programs (SpliceSiteFinder, MaxEntScan, NNSPLICE, GeneSplicer) do not predict a difference in splicing. The p.Thr116 residue is conserved in mammals but not in more distantly related organisms, however four out of five computational analyses (PolyPhen-2, SIFT, AlignGVGD, BLOSUM) do not suggest a high likelihood of impact to the protein; this information is not predictive enough to rule out pathogenicity. In summary, based on the above information the clinical significance of this variant cannot be determined with certainty at this time. This variant is classified as a variant of uncertain significance.